The following is an entry in ClinVar:

ClinVar aggregate classification (germline): Uncertain significance. Review status: criteria provided, multiple submitters, no conflicts (2 of 4 stars). 4 submissions from 4 submitters: Uncertain significance (4). Last evaluated 2024-07-23.

Conditions:
Hereditary cancer-predisposing syndrome. Also called: Hereditary Cancer Syndrome; Hereditary neoplastic syndrome; Neoplastic Syndromes, Hereditary; Tumor predisposition. Identifiers: Orphanet 140162, MedGen C0027672, MeSH D009386, MONDO:0015356.
Rhabdoid tumor predisposition syndrome 2 (RTPS2). Identifiers: Orphanet 231108, Orphanet 69077, MedGen C2750074, MONDO:0013224, OMIM 613325.
Intellectual disability, autosomal dominant 16 (CSS4). Also called: COFFIN-SIRIS SYNDROME 4. Identifiers: Orphanet 1465, MedGen C3553249, MONDO:0013821, OMIM 614609.

Submissions (4):

Ambry Genetics
Classification: Uncertain significance for Hereditary cancer-predisposing syndrome. Last evaluated: 2024-07-23. Review status: criteria provided, single submitter. Criteria: Ambry Variant Classification Scheme 2023. Collection method: clinical testing. Allele origin: germline.
Comment: The p.E1666D variant (also known as c.4998A>C), located in coding exon 34 of the SMARCA4 gene, results from an A to C substitution at nucleotide position 4998. The glutamic acid at codon 1666 is replaced by aspartic acid, an amino acid with highly similar properties. This amino acid position is well conserved in available vertebrate species. In addition, this alteration is predicted to be tolerated by in silico analysis. Missense and in-frame variants in SMARCA4 are known to cause neurodevelopmental disorders; however, such associations with rhabdoid tumor predisposition syndrome including small cell carcinoma of the ovary-hypercalcemic type (SCCOHT) are exceedingly rare (Kosho T et al. Am J Med Genet C Semin Med Genet. 2014 Sep;166C(3):262-75; Jelinic P et al. Nat Genet. 2014 May;46(5):424-6). Based on the supporting evidence, the association of this alteration with Coffin-Siris syndrome is unknown; however, the association of this alteration with rhabdoid tumor predisposition syndrome is unlikely.

Labcorp Genetics (formerly Invitae), Labcorp
Classification: Uncertain significance for Rhabdoid tumor predisposition syndrome 2. Last evaluated: 2022-12-25. Review status: criteria provided, single submitter. Criteria: Invitae Variant Classification Sherloc (09022015). Collection method: clinical testing. Allele origin: germline.
Comment: This sequence change replaces glutamic acid, which is acidic and polar, with aspartic acid, which is acidic and polar, at codon 1666 of the SMARCA4 protein (p.Glu1666Asp). This variant is not present in population databases (gnomAD no frequency). This variant has not been reported in the literature in individuals affected with SMARCA4-related conditions. ClinVar contains an entry for this variant (Variation ID: 1064050). Advanced modeling of protein sequence and biophysical properties (such as structural, functional, and spatial information, amino acid conservation, physicochemical variation, residue mobility, and thermodynamic stability) performed at Invitae indicates that this missense variant is not expected to disrupt SMARCA4 protein function. In summary, the available evidence is currently insufficient to determine the role of this variant in disease. Therefore, it has been classified as a Variant of Uncertain Significance.

Genome-Nilou Lab
Classification: Uncertain significance for Intellectual disability, autosomal dominant 16. Last evaluated: 2021-07-15. Review status: criteria provided, single submitter. Criteria: ACMG Guidelines, 2015. Collection method: clinical testing. Allele origin: germline. Affected: no.

GeneDx
Classification: Uncertain significance. Last evaluated: 2018-12-06. Review status: criteria provided, single submitter. Criteria: GeneDx Variant Classification Process June 2021. Collection method: clinical testing. Allele origin: germline. Affected: yes.
Comment: Not observed in large population cohorts (Lek et al., 2016); In silico analysis, which includes protein predictors and evolutionary conservation, supports that this variant does not alter protein structure/function; Has not been previously published as pathogenic or benign to our knowledge

NM_003072.5(SMARCA4):c.4902A>C (p.Glu1634Asp)

Gene: SMARCA4 (SWI/SNF related BAF chromatin remodeling complex subunit ATPase 4; plus strand). Cytogenetic location: 19p13.2.
Variant type: single nucleotide variant.
Coding change: c.4902A>C on transcript NM_003072.5 (MANE Select); coding-DNA position 4902, A replaced by C.
Protein change: p.Glu1634Asp; replaces glutamic acid 1634 with aspartic acid.
Molecular consequence: missense variant. On other transcripts: non-coding transcript variant (1).
Genome position (GRCh38, 1-based): chr19:11,060,178, A>C. VCF-style: chr19-11060178-A-C. GRCh37 (hg19) VCF-style: chr19-11170854-A-C.
Other names: c.4902A>C, p.Glu1634Asp (NM_001128844.3); c.4812A>C, p.Glu1604Asp (NM_001128845.2); c.4809A>C, p.Glu1603Asp (NM_001128846.2); c.4803A>C, p.Glu1601Asp (NM_001128847.4, NM_001374457.1); c.4800A>C, p.Glu1600Asp (NM_001128848.2); c.4998A>C, p.Glu1666Asp (NM_001128849.3, NM_001387283.1); short protein forms E1600D, E1601D, E1603D, E1604D, E1634D, E1666D.
Identifiers: ClinVar variation 1064050 (VCV001064050.15), dbSNP rs2147127066, ClinGen allele CA404080988.